The following continues an entry in ClinVar:

NM_024675.4(PALB2):c.3508C>T (p.His1170Tyr)

Gene: PALB2. ClinVar aggregate classification (germline): Conflicting classifications of pathogenicity. Uncertain significance (12); Benign (1); Likely benign (7).

Submissions 15 to 22 of 22:

Sema4
Classification: Uncertain significance for Hereditary cancer-predisposing syndrome. Last evaluated: 2021-12-17. Review status: criteria provided, single submitter. Criteria: Sema4 Curation Guidelines. Collection method: curation. Allele origin: germline.
Comment: The PALB2 c.3508C>T (p.H1170Y) variant has been reported in heterozygosity in at least 2 individuals with breast cancer (PMID: 29052111). It has been reported in a large case-control study of breast cancer in 17/60466 cases and 22/53461 controls (PMID: 33471991). This variant was observed in 12/129180 chromosomes in the Non-Finnish European (NFE) population according to the Genome Aggregation Database (PMID: 32461654). This variant has been reported in ClinVar (Variation ID: 141320). Functional studies have not been performed, and in silico predictions of the variant's effect on protein function are inconclusive. The evidence is insufficient to meet ACMG/AMP criteria for classifying the variant as benign or pathogenic. Thus, the clinical significance of this variant is currently uncertain.

Institute for Clinical Genetics, University Hospital TU Dresden, University Hospital TU Dresden
Classification: Uncertain significance. Last evaluated: 2021-11-03. Review status: criteria provided, single submitter. Criteria: ACMG Guidelines, 2015. Collection method: clinical testing. Allele origin: germline.

Genetic Services Laboratory, University of Chicago
Classification: Uncertain significance. Last evaluated: 2021-01-04. Review status: criteria provided, single submitter. Criteria: ACMG Guidelines, 2015. Collection method: clinical testing. Allele origin: germline. Affected: no.
Comment: DNA sequence analysis of the PALB2 gene demonstrated a sequence change, c.3508C>T, in exon 13 that results in an amino acid change, p.His1170Tyr. This sequence change does not appear to have been previously described in individuals with PALB2-related disorders and has been described in the gnomAD database with a low frequency of 0.0093% in the European sub-population (dbSNP rs200283306). The p.His1170Tyr change affects a moderately conserved amino acid residue located in a domain of the PALB2 protein that is known to be functional. In-silico pathogenicity prediction tools (SIFT, PolyPhen2, Align GVGD, REVEL) provide contradictory results for the p.His1170Tyr substitution. Due to these contrasting evidences and the lack of functional studies, the clinical significance of the p.His1170Tyr change remains unknown at this time.

Institute of Human Genetics, University of Leipzig Medical Center
Classification: Uncertain significance for Familial cancer of breast. Last evaluated: 2018-08-03. Review status: criteria provided, single submitter. Criteria: ACMG Guidelines, 2015. Collection method: clinical testing. Allele origin: germline. Affected: yes. Observed: 1 variant allele.

GeneKor MSA
Classification: Uncertain significance for Hereditary cancer-predisposing syndrome. Last evaluated: 2018-08-01. Review status: criteria provided, single submitter. Criteria: ACMG Guidelines, 2015. Collection method: clinical testing. Allele origin: germline. Affected: yes.

Color Diagnostics, LLC DBA Color Health
Classification: Benign for Hereditary cancer-predisposing syndrome. Last evaluated: 2015-11-25. Review status: criteria provided, single submitter. Criteria: ACMG Guidelines, 2015. Collection method: clinical testing. Allele origin: germline.

Leiden Open Variation Database
Classification: Uncertain significance. Last evaluated: 2019-05-13. Review status: no assertion criteria provided. Collection method: curation. Allele origin: germline. Affected: yes. Not counted in ClinVar's aggregate classification.
Comment: Curators: Marc Tischkowitz, Arleen D. Auerbach. Submitters to LOVD: Marc Tischkowitz, Melissa DeRycke.

Counsyl
Classification: Uncertain significance for Familial cancer of breast. Last evaluated: 2015-11-24. Review status: no assertion criteria provided. Collection method: clinical testing. Allele origin: unknown. Not counted in ClinVar's aggregate classification.

Literature cited by the submitters: PubMed 34284872 (cited by Quest Diagnostics Nichols Institute San Juan Capistrano and Women's Health and Genetics/Laboratory Corporation of America, LabCorp); PubMed 21618343 (cited by 4 submitters); PubMed 24448499 (cited by 5 submitters); PubMed 26315354 (cited by 5 submitters); PubMed 28591191 (cited by 4 submitters); PubMed 26689913 (cited by Quest Diagnostics Nichols Institute San Juan Capistrano and Ambry Genetics); PubMed 29052111 (cited by 6 submitters); PubMed 33195396 (cited by Quest Diagnostics Nichols Institute San Juan Capistrano); PubMed 30638972 (cited by Quest Diagnostics Nichols Institute San Juan Capistrano); PubMed 29522266 (cited by Quest Diagnostics Nichols Institute San Juan Capistrano); PubMed 32546565 (cited by Quest Diagnostics Nichols Institute San Juan Capistrano); PubMed 32658311 (cited by Quest Diagnostics Nichols Institute San Juan Capistrano); PubMed 33471991 (cited by 3 submitters); PubMed 31159747 (cited by 3 submitters); PubMed 31636395 (cited by 4 submitters); PubMed 25085752 (cited by Myriad Genetics, Inc.); PubMed 23555315 (cited by Counsyl); PubMed 26206375 (cited by Counsyl).